The following is an entry in ClinVar:

NM_000018.4(ACADVL):c.552del (p.Ile184fs)

Gene: ACADVL (acyl-CoA dehydrogenase very long chain; plus strand). Cytogenetic location: 17p13.1.
Variant type: Deletion.
Coding change: c.552del on transcript NM_000018.4 (MANE Select); coding-DNA position 552, one base deleted (C; older notation c.552delC).
Protein change: p.Ile184fs; shifts the reading frame from isoleucine 184.
Molecular consequence: frameshift variant.
Genome position (GRCh38, 1-based): chr17:7,221,612, C deleted. VCF-style (leftmost placement, unchanged base first): chr17-7221611-TC-T. GRCh37 (hg19) VCF-style: chr17-7124930-TC-T.
Other names: NM_000018.4(ACADVL):c.552del; p.Ile184fs; c.486del, p.Ile162fs (NM_001033859.3); c.621del, p.Ile207fs (NM_001270447.2); c.324del, p.Ile108fs (NM_001270448.2); short protein forms I184fs, I108fs, I162fs, I207fs.
Identifiers: ClinVar variation 650581 (VCV000650581.11), dbSNP rs1597525249, ClinGen allele CA915949503.
Genomic context (GRCh38, chr17:7,221,611, plus strand): 5'-TGGAGATCGTGGGCATGCATGACCTTGGCGTGGGCATTACCCTGGGGGCCCATCAGAGCA[TC>T]GGTTTCAAAGGCATCCTGCTCTTTGGCACAAAGGCCCAGAAAGAAAAATACCTCCCCAAG-3'

ClinVar aggregate classification (germline): Pathogenic. Review status: reviewed by expert panel (3 of 4 stars). 4 submissions from 4 submitters: Pathogenic (1). 3 of the submissions do not count toward it. Last evaluated 2022-03-14.

Conditions:
Very long chain acyl-CoA dehydrogenase deficiency (ACADVLD). Also called: VLCAD Deficiency; Very Long-Chain Acyl-Coenzyme A Dehydrogenase Deficiency. Identifiers: Orphanet 26793, MedGen C3887523, MONDO:0008723, OMIM 201475.

Submissions (4):

ClinGen ACADVL Variant Curation Expert Panel, ClinGen
Classification: Pathogenic for Very long chain acyl-CoA dehydrogenase deficiency. Last evaluated: 2022-03-14. Review status: reviewed by expert panel. Criteria: clingen acadvl acmg specifications v1. Collection method: curation. Allele origin: germline. Inheritance: Autosomal recessive inheritance.
Comment: The NM_000018.4(ACADVL):c.552del (p.Ile184fs) variant in ACADVL is a frameshift variant predicted to cause a premature stop codon in biologically-relevant-exon 8/20 leading to nonsense mediated decay in a gene in which loss-of-function is an established disease mechanism ((PVS1; PMIDs 9973285, 11590124). At least one patient with this variant displayed Newborn Screening and follow-up data, which is highly specific for VLCAD. Specifically, a proband with this variant was identified via newborn screening to have C14:1 uM levels of 2.99 and asserted abnormal plasma acylcarnitine levels (PP4; PMID 24503138). This variant has been detected in at least 1 individual with very long chain acyl CoA dehydrogenase (VLCAD) deficiency. This individual is a compound heterozygous for the variant and a pathogenic variant (p.V283A) although the variants are not confirmed in trans. Based on ACADVL VCEP specific guidelines, a total of 0.5 points is awarded for criteria PM3 (PMID 24503138). This variant is absent from gnomAD v2.2.1 (PM2_Supporting). In summary, this variant meets the criteria to be classified as pathogenic for autosomal recessive very long chain acyl-CoA dehydrogenase (VLCAD) deficiency based on the ACMG/AMP criteria applied, as specified by the ClinGen ACADVL Variant Curation Expert Panel: PVS1, PP4_moderate, PM3_supporting, PS2_supporting.) VCEP classification criteria version 2, 10/15/21.

Myriad Genetics, Inc.
Classification: Pathogenic for Very long chain acyl-CoA dehydrogenase deficiency. Last evaluated: 2023-08-11. Review status: criteria provided, single submitter. Criteria: Myriad Autosomal Dominant, Autosomal Recessive and X-Linked Classification Criteria (2023). Collection method: clinical testing. Allele origin: unknown. Not counted in ClinVar's aggregate classification.
Comment: NM_000018.3(ACADVL):c.552delC(I184Mfs*33) is expected to be pathogenic in the context of very-long-chain acyl-CoA dehydrogenase deficiency. This variant is predicted to lead to an abnormal or absent protein product due to the creation of a premature termination codon in ACADVL, a gene where loss-of-function variants are known to be pathogenic. Please note: this variant was assessed in the context of healthy population screening.

Baylor Genetics
Classification: Pathogenic for Very long chain acyl-CoA dehydrogenase deficiency. Last evaluated: 2022-10-13. Review status: criteria provided, single submitter. Criteria: ACMG Guidelines, 2015. Collection method: clinical testing. Allele origin: unknown. Not counted in ClinVar's aggregate classification.

Labcorp Genetics (formerly Invitae), Labcorp
Classification: Pathogenic for Very long chain acyl-CoA dehydrogenase deficiency. Last evaluated: 2018-12-20. Review status: criteria provided, single submitter. Criteria: Invitae Variant Classification Sherloc (09022015). Collection method: clinical testing. Allele origin: germline. Not counted in ClinVar's aggregate classification.
Comment: This variant is not present in population databases (ExAC no frequency). This sequence change creates a premature translational stop signal (p.Ile184Metfs*33) in the ACADVL gene. It is expected to result in an absent or disrupted protein product. This variant has been observed in combination with another ACADVL variant in an individual affected with VLCAD deficiency (PMID: 24503138). Loss-of-function variants in ACADVL are known to be pathogenic (PMID: 9973285, 11590124). For these reasons, this variant has been classified as Pathogenic.

Literature cited by the submitters: PubMed 24503138 (cited by Labcorp Genetics (formerly Invitae), Labcorp); PubMed 9973285 (cited by Labcorp Genetics (formerly Invitae), Labcorp); PubMed 11590124 (cited by Labcorp Genetics (formerly Invitae), Labcorp).